The following is an entry in ClinVar:

NM_005045.4(RELN):c.489C>G (p.His163Gln)

Gene: RELN (reelin; minus strand). Cytogenetic location: 7q22.1.
Variant type: single nucleotide variant.
Coding change: c.489C>G on transcript NM_005045.4 (MANE Select); coding-DNA position 489, C replaced by G.
Protein change: p.His163Gln; replaces histidine 163 with glutamine.
Molecular consequence: missense variant.
Genome position (GRCh38, 1-based): chr7:103,776,612, G>C on the plus strand (C>G on the coding strand, the complement: RELN is on the minus strand). VCF-style: chr7-103776612-G-C. GRCh37 (hg19) VCF-style: chr7-103417059-G-C.
Other names: c.489C>G, p.His163Gln (NM_173054.3); short protein forms H163Q.
Identifiers: ClinVar variation 4070669 (VCV004070669.3).

ClinVar aggregate classification (germline): Uncertain significance. Review status: criteria provided, multiple submitters, no conflicts (2 of 4 stars). 2 submissions from 2 submitters: Uncertain significance (2). Last evaluated 2026-05-23.

Submissions (2):

GeneDx
Classification: Uncertain significance. Last evaluated: 2026-05-23. Review status: criteria provided, single submitter. Criteria: GeneDx Variant Classification Process June 2021. Collection method: clinical testing. Allele origin: germline.
Comment: Not observed at significant frequency in large population cohorts (gnomAD); In silico analysis indicates that this missense variant does not alter protein structure/function; Has not been previously published as pathogenic or benign to our knowledge

Blueprint Genetics
Classification: Uncertain significance. Last evaluated: 2022-04-14. Review status: criteria provided, single submitter. Criteria: ACMG Guidelines, 2015. Collection method: clinical testing. Allele origin: germline.